The following is an entry in ClinVar:

ClinVar aggregate classification (germline): Benign/Likely benign. Review status: criteria provided, multiple submitters, no conflicts (2 of 4 stars). 4 submissions from 4 submitters: Benign (3); Likely benign (1). Last evaluated 2026-02-01.

Conditions:
Hypertrophic cardiomyopathy. Also called: HYPERTROPHIC MYOCARDIOPATHY. Identifiers: Orphanet 217569, MedGen C0007194, MeSH D002312, MONDO:0005045, HP:0001639.

Allele frequency attached by ClinVar (database versions not stated): ESP Exome Variant Server 0.00042; TOPMed 0.00229; 1000 Genomes Project 30x 0.00312; 1000 Genomes Project 0.00319.
gnomAD v4.1: 1,732 of 1,613,504 alleles (0.11%); highest among the groups gnomAD compares: Admixed American, 2.4%; 26 homozygotes.

Submissions (4):

Labcorp Genetics (formerly Invitae), Labcorp
Classification: Benign for Hypertrophic cardiomyopathy. Last evaluated: 2026-02-01. Review status: criteria provided, single submitter. Criteria: Invitae Variant Classification Sherloc (09022015). Collection method: clinical testing. Allele origin: germline.

Ambry Genetics
Classification: Likely benign. Last evaluated: 2022-03-04. Review status: criteria provided, single submitter. Criteria: Ambry Variant Classification Scheme 2023. Collection method: clinical testing. Allele origin: germline.

Laboratory for Molecular Medicine, Mass General Brigham Personalized Medicine
Classification: Benign. Last evaluated: 2014-11-24. Review status: criteria provided, single submitter. Criteria: LMM Criteria. Collection method: clinical testing. Allele origin: germline. Observed: 3 variant alleles.
Comment: Ser1065Ser in exon 21 of MYOM1: This variant is not expected to have clinical si gnificance because it does not alter an amino acid residue and is not located wi thin the splice consensus sequence. It has been identified in 1.6% (8/492) of Af rican chromosomes from a broad population by the 1000 Genomes Project (w.; dbSNP rs185366609).

Breakthrough Genomics
Classification: Benign. Review status: criteria provided, single submitter. Criteria: ACMG Guidelines, 2015. Collection method: not provided. Allele origin: germline. Inheritance: Unknown mechanism. Affected: yes.

NM_003803.4(MYOM1):c.3195C>G (p.Ser1065=)

Gene: MYOM1 (myomesin 1; minus strand). Cytogenetic location: 18p11.31.
Variant type: single nucleotide variant.
Coding change: c.3195C>G on transcript NM_003803.4 (MANE Select); coding-DNA position 3195, C replaced by G.
Protein change: p.Ser1065=; no amino-acid change (serine 1065 retained).
Molecular consequence: synonymous variant.
Genome position (GRCh38, 1-based): chr18:3,116,439, G>C on the plus strand (C>G on the coding strand, the complement: MYOM1 is on the minus strand). VCF-style: chr18-3116439-G-C. GRCh37 (hg19) VCF-style: chr18-3116437-G-C.
Other names: c.2907C>G, p.Ser969= (NM_019856.2).
Identifiers: ClinVar variation 239573 (VCV000239573.20), dbSNP rs185366609, ClinGen allele CA8874385.